The following is an entry in ClinVar:

NM_001709.5(BDNF):c.-21-15564_-21-15562delinsCCCAGA

Genes: BDNF (brain derived neurotrophic factor; minus strand), BDNF-AS (BDNF antisense RNA; plus strand). Cytogenetic location: 11p14.1.
Variant type: Indel.
Coding change: c.-21-15564_-21-15562delinsCCCAGA on transcript NM_001709.5 (MANE Select); 15564 bases into the intron before 21 bases upstream of the start codon through 15562 bases into the intron before 21 bases upstream of the start codon, GAC replaced by CCCAGA.
Molecular consequence: intron variant. On other transcripts: inframe indel (1), 5 prime UTR variant (1).
Genome position (GRCh38, 1-based): chr11:27,674,147-27,674,149, GTC replaced by TCTGGG on the plus strand (GAC replaced by CCCAGA on the coding strand, the reverse complement: BDNF is on the minus strand). VCF-style: chr11-27674147-GTC-TCTGGG. GRCh37 (hg19) VCF-style: chr11-27695694-GTC-TCTGGG.
Other names: c.136_138delinsCCCAGA, p.Asp46delinsProArg (NM_001143810.2); c.-228_-226delinsCCCAGA (NM_001143811.2); c.4-15564_4-15562delinsCCCAGA (NM_170731.5); c.-21-15564_-21-15562delinsCCCAGA (NM_001143805.1, NM_001143806.1, NM_170732.4 and 5 more transcripts); c.67-15564_67-15562delinsCCCAGA (NM_001143809.2); c.-128-15223_-128-15221delinsCCCAGA (NM_001143814.2); c.25-15564_25-15562delinsCCCAGA (NM_170734.4).
Identifiers: ClinVar variation 4996622 (VCV004996622.1).

ClinVar aggregate classification (germline): Uncertain significance (1 of 4 stars; one submission).

Conditions:
BDNF-related disorder. Also called: BDNF-related condition.

Submission:

PreventionGenetics, part of Exact Sciences
Classification: Uncertain significance for BDNF-related condition. Last evaluated: 2025-08-14. Review status: criteria provided, single submitter. Criteria: ACMG Guidelines, 2015. Collection method: clinical testing. Allele origin: germline.
Comment: The BDNF c.136_138delinsCCCAGA variant is predicted to result in an in-frame deletion and insertion. To our knowledge, this variant has not been reported in the literature or in a large population database (gnomAD), indicating this variant is rare. At this time, the clinical significance of this variant is uncertain due to the absence of conclusive functional and genetic evidence.